The following is an entry in ClinVar:

NM_001356.5(DDX3X):c.1497+1G>A

Gene: DDX3X (DEAD-box helicase 3 X-linked; plus strand). Cytogenetic location: Xp11.4.
Variant type: single nucleotide variant.
Coding change: c.1497+1G>A on transcript NM_001356.5 (MANE Select); the canonical splice donor site of the intron after coding-DNA position 1497, G replaced by A.
Molecular consequence: splice donor variant.
Genome position (GRCh38, 1-based): chrX:41,346,411, G>A. VCF-style: chrX-41346411-G-A. GRCh37 (hg19) VCF-style: chrX-41205664-G-A.
Other names: c.1497+1G>A (NM_001193416.3); c.1449+1G>A (NM_001193417.3); c.939+1G>A (NM_001363819.1).
Identifiers: ClinVar variation 3657391 (VCV003657391.3).

ClinVar aggregate classification (germline): Likely pathogenic. Review status: criteria provided, multiple submitters, no conflicts (2 of 4 stars). 2 submissions from 2 submitters: Likely pathogenic (2). Last evaluated 2024-10-16.

Conditions:
Intellectual disability, X-linked 102 (MRXSSB). Also called: Intellectual developmental disorder, X-linked syndromic, Snijders Blok type. Identifiers: Orphanet 457260, MedGen C5393299, MONDO:0010497, OMIM 300958.

Submissions (2):

3billion
Classification: Likely pathogenic for Intellectual disability, X-linked 102. Last evaluated: 2024-10-16. Review status: criteria provided, single submitter. Criteria: ACMG Guidelines, 2015. Collection method: clinical testing. Allele origin: germline. Affected: yes.
Comment: The variant is not observed in the gnomAD v4.1.0 dataset. Predicted Consequence/Location: Canonical splice site: predicted to alter splicing and result in a loss or disruption of normal protein function. Multiple pathogenic loss-of-function variants are reported downstream of the variant. Therefore, this variant is classified as Likely pathogenic according to the recommendation of ACMG/AMP guideline.

Labcorp Genetics (formerly Invitae), Labcorp
Classification: Likely pathogenic. Last evaluated: 2024-06-22. Review status: criteria provided, single submitter. Criteria: Invitae Variant Classification Sherloc (09022015). Collection method: clinical testing. Allele origin: germline.
Comment: This sequence change affects a donor splice site in intron 13 of the DDX3X gene. It is expected to disrupt RNA splicing. Variants that disrupt the donor or acceptor splice site typically lead to a loss of protein function (PMID: 16199547), and loss-of-function variants in DDX3X are known to be pathogenic (PMID: 26235985). This variant is not present in population databases (gnomAD no frequency). This variant has not been reported in the literature in individuals affected with DDX3X-related conditions. Algorithms developed to predict the effect of sequence changes on RNA splicing suggest that this variant may disrupt the consensus splice site. In summary, the currently available evidence indicates that the variant is pathogenic, but additional data are needed to prove that conclusively. Therefore, this variant has been classified as Likely Pathogenic.

Literature cited by the submitters: PubMed 16199547 (cited by Labcorp Genetics (formerly Invitae), Labcorp); PubMed 26235985 (cited by Labcorp Genetics (formerly Invitae), Labcorp).